The following is an entry in ClinVar:

NM_172107.4(KCNQ2):c.1302-18_1302-17insTGTCTGTT

Gene: KCNQ2 (potassium voltage-gated channel subfamily Q member 2; minus strand). Cytogenetic location: 20q13.33.
Variant type: Insertion.
Coding change: c.1302-18_1302-17insTGTCTGTT on transcript NM_172107.4 (MANE Select); 18 bases into the intron before coding-DNA position 1302 through 17 bases into the intron before coding-DNA position 1302, TGTCTGTT inserted.
Molecular consequence: intron variant.
Genome position: GRCh38 VCF-style: chr20-63415143-C-CAACAGACA. GRCh37 (hg19) VCF-style: chr20-62046496-C-CAACAGACA.
Other names: c.1218-18_1218-17insTGTCTGTT (NM_004518.6); c.1248-54_1248-53insTGTCTGTT (NM_172108.5); c.1248-18_1248-17insTGTCTGTT (NM_172106.3).
Identifiers: ClinVar variation 205845 (VCV000205845.11), dbSNP rs1555854850, ClinGen allele CA315307.

ClinVar aggregate classification (germline): Benign. Review status: criteria provided, multiple submitters, no conflicts (2 of 4 stars). 3 submissions from 2 submitters: Benign (2). 1 of the submissions does not count toward it. Last evaluated 2026-02-04.

Conditions:
Early-infantile DEE. Also called: Ohtahara syndrome; Early infantile epileptic encephalopathy; Early infantile epileptic encephalopathy with suppression bursts. Identifiers: Orphanet 1934, MedGen C0393706, MONDO:0800491.

Allele frequency attached by ClinVar (database versions not stated): gnomAD 0.03520.

Submissions (3):

Labcorp Genetics (formerly Invitae), Labcorp
Classification: Benign for Early-infantile DEE. Last evaluated: 2026-02-04. Review status: criteria provided, single submitter. Criteria: Invitae Variant Classification Sherloc (09022015). Collection method: clinical testing. Allele origin: germline.

GeneDx
Classification: Benign. Last evaluated: 2015-03-03. Review status: criteria provided, single submitter. Criteria: GeneDx Variant Classification Process June 2021. Collection method: clinical testing. Allele origin: germline. Affected: yes.

GeneDx
Classification: Benign. Last evaluated: 2013-10-24. Review status: flagged submission. Criteria: GeneDx Variant Classification (06012015). Collection method: clinical testing. Allele origin: germline. Affected: yes. Not counted in ClinVar's aggregate classification.
Comment: The variant is found in EPILEPSY,INFANT-EPI panel(s).
ClinVar note: Reason: This record appears to be redundant with a more recent record from the same submitter.
ClinVar note: Notes: SCV000241431 appears to be redundant with SCV001940557.